The following is an entry in ClinVar:

NM_000535.7(PMS2):c.2383G>A (p.Gly795Arg)

Gene: PMS2 (PMS1 homolog 2, mismatch repair system component; minus strand). Cytogenetic location: 7p22.1.
Variant type: single nucleotide variant.
Coding change: c.2383G>A on transcript NM_000535.7 (MANE Select); coding-DNA position 2383, G replaced by A.
Protein change: p.Gly795Arg; replaces glycine 795 with arginine.
Molecular consequence: missense variant. On other transcripts: non-coding transcript variant (1).
Genome position (GRCh38, 1-based): chr7:5,977,650, C>T on the plus strand (G>A on the coding strand, the complement: PMS2 is on the minus strand). VCF-style: chr7-5977650-C-T. GRCh37 (hg19) VCF-style: chr7-6017281-C-T.
Other names: c.1978G>A, p.Gly660Arg (NM_001322003.2, NM_001322004.2, NM_001322005.2); c.2227G>A, p.Gly743Arg (NM_001322006.2); c.2065G>A, p.Gly689Arg (NM_001322007.2, NM_001322008.2); c.2011G>A, p.Gly671Arg (NM_001322009.2); c.1822G>A, p.Gly608Arg (NM_001322010.2); c.1450G>A, p.Gly484Arg (NM_001322011.2, NM_001322012.2); c.1810G>A, p.Gly604Arg (NM_001322013.2); c.2416G>A, p.Gly806Arg (NM_001322014.2); and 1 more; short protein forms G795R, G806R, G484R, G660R, G692R, G604R, G608R, G671R.
Identifiers: ClinVar variation 480357 (VCV000480357.14), dbSNP rs1423733655, ClinGen allele CA366735750.

ClinVar aggregate classification (germline): Uncertain significance. Review status: criteria provided, multiple submitters, no conflicts (2 of 4 stars). 3 submissions from 3 submitters: Uncertain significance (3). Last evaluated 2025-08-01.

Conditions:
Hereditary nonpolyposis colorectal neoplasms. Identifiers: MedGen C0009405, MeSH D003123.
Hereditary cancer-predisposing syndrome. Also called: Hereditary Cancer Syndrome; Neoplastic Syndromes, Hereditary; Tumor predisposition; Hereditary neoplastic syndrome. Identifiers: Orphanet 140162, MedGen C0027672, MeSH D009386, MONDO:0015356.

Allele frequency attached by ClinVar (database versions not stated): gnomAD below 0.00001 and 0.00001.

Submissions (3):

Labcorp Genetics (formerly Invitae), Labcorp
Classification: Uncertain significance for Hereditary nonpolyposis colorectal neoplasms. Last evaluated: 2025-08-01. Review status: criteria provided, single submitter. Criteria: Invitae Variant Classification Sherloc (09022015). Collection method: clinical testing. Allele origin: germline.
Comment: This sequence change replaces glycine, which is neutral and non-polar, with arginine, which is basic and polar, at codon 795 of the PMS2 protein (p.Gly795Arg). The frequency data for this variant in the population databases (gnomAD) is considered unreliable due to the presence of homologous sequence, such as pseudogenes or paralogs, in the genome. This variant has not been reported in the literature in individuals affected with PMS2-related conditions. ClinVar contains an entry for this variant (Variation ID: 480357). Invitae Evidence Modeling incorporating data from in vitro experimental studies (internal data) indicates that this missense variant is not expected to disrupt PMS2 function with a negative predictive value of 95%. In summary, the available evidence is currently insufficient to determine the role of this variant in disease. Therefore, it has been classified as a Variant of Uncertain Significance.

Ambry Genetics
Classification: Uncertain significance for Hereditary cancer-predisposing syndrome. Last evaluated: 2024-06-30. Review status: criteria provided, single submitter. Criteria: Ambry Variant Classification Scheme 2023. Collection method: clinical testing. Allele origin: germline.
Comment: The p.G795R variant (also known as c.2383G>A), located in coding exon 14 of the PMS2 gene, results from a G to A substitution at nucleotide position 2383. The glycine at codon 795 is replaced by arginine, an amino acid with dissimilar properties. This amino acid position is highly conserved in available vertebrate species. In addition, this alteration is predicted to be deleterious by in silico analysis. Since supporting evidence is limited at this time, the clinical significance of this alteration remains unclear.

GeneDx
Classification: Uncertain significance. Last evaluated: 2023-03-24. Review status: criteria provided, single submitter. Criteria: GeneDx Variant Classification Process June 2021. Collection method: clinical testing. Allele origin: germline. Affected: yes.
Comment: Not observed at significant frequency in large population cohorts (gnomAD); In silico analysis supports that this missense variant has a deleterious effect on protein structure/function; Has not been previously published as pathogenic or benign to our knowledge; This variant is associated with the following publications: (PMID: Fukui2011[Chapter])